The following is an entry in ClinVar:

ClinVar aggregate classification (germline): Likely benign. Review status: criteria provided, multiple submitters, no conflicts (2 of 4 stars). 2 submissions from 2 submitters: Likely benign (2). Last evaluated 2023-07-25.

Allele frequency attached by ClinVar (database versions not stated): gnomAD 0.00003; ESP Exome Variant Server 0.00015; ExAC 0.00024.
gnomAD v4.1: 142 of 1,612,736 alleles (0.0088%); highest among the groups gnomAD compares: Admixed American, 0.078%; no homozygotes.

Submissions (2):

Blueprint Genetics
Classification: Likely benign. Last evaluated: 2023-07-25. Review status: criteria provided, single submitter. Criteria: ACMG Guidelines, 2015. Collection method: clinical testing. Allele origin: germline.

CeGaT Center for Human Genetics Tuebingen
Classification: Likely benign. Last evaluated: 2022-11-01. Review status: criteria provided, single submitter. Criteria: CeGaT Center For Human Genetics Tuebingen Variant Classification Criteria Version 2. Collection method: clinical testing. Allele origin: germline. Affected: yes. Observed: 1 variant allele.
Comment: FLG: BP4, BP7

NM_002016.2(FLG):c.7596G>A (p.Ser2532=)

Genes: CCDST (cervical cancer associated DHX9 suppressive transcript; plus strand), FLG (filaggrin; minus strand). Cytogenetic location: 1q21.3.
Variant type: single nucleotide variant.
Coding change: c.7596G>A on transcript NM_002016.2 (MANE Select); coding-DNA position 7596, G replaced by A.
Protein change: p.Ser2532=; no amino-acid change (serine 2532 retained).
Molecular consequence: synonymous variant.
Genome position (GRCh38, 1-based): chr1:152,307,290, C>T on the plus strand (G>A on the coding strand, the complement: FLG is on the minus strand). VCF-style: chr1-152307290-C-T. GRCh37 (hg19) VCF-style: chr1-152279766-C-T.
Identifiers: ClinVar variation 2639266 (VCV002639266.25), dbSNP rs142026832, ClinGen allele CA1104643.
Genomic context (GRCh38, chr1:152,307,290, plus strand): 5'-TCCCTGGCCCACCTGCGAGTGTCCAGAGCTGTCGGCCCGAGAGGAAGCTTCATGGTGACG[C>T]GACCCTGAGTGCCTGGAGCCGTCTCCTGATTGTTCATCGTTACGAGTTTGTCTGCTTGCA-3'
Protein context (NP_002007.1, residues 2522-2542): QSGDGSRHSG[Ser2532=]RHHEASSRAD